The following is an entry in ClinVar:

NM_006231.4(POLE):c.5834G>C (p.Gly1945Ala)

Gene: POLE (DNA polymerase epsilon, catalytic subunit; minus strand). Cytogenetic location: 12q24.33.
Variant type: single nucleotide variant.
Coding change: c.5834G>C on transcript NM_006231.4 (MANE Select); coding-DNA position 5834, G replaced by C.
Protein change: p.Gly1945Ala; replaces glycine 1945 with alanine.
Molecular consequence: missense variant.
Genome position (GRCh38, 1-based): chr12:132,634,356, C>G on the plus strand (G>C on the coding strand, the complement: POLE is on the minus strand). VCF-style: chr12-132634356-C-G. GRCh37 (hg19) VCF-style: chr12-133210942-C-G.
Other names: short protein forms G1945A.
Identifiers: ClinVar variation 1346954 (VCV001346954.8), dbSNP rs773257929, ClinGen allele CA387371847.

ClinVar aggregate classification (germline): Uncertain significance (1 of 4 stars; one submission).

Submission:

Labcorp Genetics (formerly Invitae), Labcorp
Classification: Uncertain significance. Last evaluated: 2025-06-09. Review status: criteria provided, single submitter. Criteria: Invitae Variant Classification Sherloc (09022015). Collection method: clinical testing. Allele origin: germline.
Comment: This sequence change replaces glycine, which is neutral and non-polar, with alanine, which is neutral and non-polar, at codon 1945 of the POLE protein (p.Gly1945Ala). This variant is not present in population databases (gnomAD no frequency). This variant has not been reported in the literature in individuals affected with POLE-related conditions. ClinVar contains an entry for this variant (Variation ID: 1346954). An algorithm developed to predict the effect of missense changes on protein structure and function (PolyPhen-2) suggests that this variant is likely to be tolerated. In summary, the available evidence is currently insufficient to determine the role of this variant in disease. Therefore, it has been classified as a Variant of Uncertain Significance.